The following is an entry in ClinVar:

ClinVar aggregate classification (germline): Likely benign. Review status: criteria provided, multiple submitters, no conflicts (2 of 4 stars). 2 submissions from 2 submitters: Likely benign (2). Last evaluated 2026-09-01.

Conditions:
Glycogen storage disease, type VII (GSD7). Also called: PFKM DEFICIENCY; TARUI DISEASE; GSD VII; MUSCLE PHOSPHOFRUCTOKINASE DEFICIENCY. Identifiers: Orphanet 371, MedGen C0017926, MONDO:0009295, OMIM 232800.

Allele frequency attached by ClinVar (database versions not stated): TOPMed below 0.00001.

Submissions (2):

CeGaT Center for Human Genetics Tuebingen
Classification: Likely benign. Last evaluated: 2026-09-01. Review status: criteria provided, single submitter. Criteria: CeGaT Center For Human Genetics Tuebingen Variant Classification Criteria Version 2. Collection method: clinical testing. Allele origin: germline. Affected: yes. Observed: 1 variant allele.
Comment: PFKM: PM2:Supporting, BP4, BP7

Labcorp Genetics (formerly Invitae), Labcorp
Classification: Likely benign for Glycogen storage disease, type VII. Last evaluated: 2020-10-31. Review status: criteria provided, single submitter. Criteria: Invitae Variant Classification Sherloc (09022015). Collection method: clinical testing. Allele origin: germline.

NM_000289.6(PFKM):c.552G>T (p.Arg184=)

Gene: PFKM (phosphofructokinase, muscle; plus strand). Cytogenetic location: 12q13.11.
Variant type: single nucleotide variant.
Coding change: c.552G>T on transcript NM_000289.6 (MANE Select); coding-DNA position 552, G replaced by T.
Protein change: p.Arg184=; no amino-acid change (arginine 184 retained).
Molecular consequence: synonymous variant. On other transcripts: non-coding transcript variant (6).
Genome position (GRCh38, 1-based): chr12:48,133,439, G>T. VCF-style: chr12-48133439-G-T. GRCh37 (hg19) VCF-style: chr12-48527222-G-T.
Other names: c.765G>T, p.Arg255= (NM_001166686.2, NM_001354737.1, NM_001354738.1 and 1 more transcripts); c.552G>T, p.Arg184= (NM_001166687.2, NM_001166688.2, NM_001354742.2 and 4 more transcripts); c.861G>T, p.Arg287= (NM_001354735.1, NM_001354736.1); c.696G>T, p.Arg232= (NM_001354740.1); c.576G>T, p.Arg192= (NM_001354741.2); c.465G>T, p.Arg155= (NM_001354745.2); c.402G>T, p.Arg134= (NM_001354747.2, NM_001354748.2).
Identifiers: ClinVar variation 1142731 (VCV001142731.10), dbSNP rs976955357, ClinGen allele CA236510353.